The following is an entry in ClinVar:

ClinVar aggregate classification (germline): Uncertain significance (1 of 4 stars; one submission).

Submission:

Labcorp Genetics (formerly Invitae), Labcorp
Classification: Uncertain significance. Last evaluated: 2024-03-21. Review status: criteria provided, single submitter. Criteria: Invitae Variant Classification Sherloc (09022015). Collection method: clinical testing. Allele origin: germline.
Comment: This sequence change replaces glutamic acid, which is acidic and polar, with glutamine, which is neutral and polar, at codon 25 of the PSMA3 protein (p.Glu25Gln). This variant is not present in population databases (gnomAD no frequency). This variant has not been reported in the literature in individuals affected with PSMA3-related conditions. An algorithm developed to predict the effect of missense changes on protein structure and function (PolyPhen-2) suggests that this variant is likely to be disruptive. In summary, the available evidence is currently insufficient to determine the role of this variant in disease. Therefore, it has been classified as a Variant of Uncertain Significance.

NM_002788.4(PSMA3):c.73G>C (p.Glu25Gln)

Gene: PSMA3 (proteasome 20S subunit alpha 3; plus strand). Cytogenetic location: 14q23.1.
Variant type: single nucleotide variant.
Coding change: c.73G>C on transcript NM_002788.4 (MANE Select); coding-DNA position 73, G replaced by C.
Protein change: p.Glu25Gln; replaces glutamic acid 25 with glutamine.
Molecular consequence: missense variant.
Genome position (GRCh38, 1-based): chr14:58,247,801, G>C. VCF-style: chr14-58247801-G-C. GRCh37 (hg19) VCF-style: chr14-58714519-G-C.
Other names: c.73G>C, p.Glu25Gln (NM_152132.3); short protein forms E25Q.
Identifiers: ClinVar variation 3638568 (VCV003638568.2).